The following is an entry in ClinVar:

ClinVar aggregate classification (germline): Benign/Likely benign. Review status: criteria provided, multiple submitters, no conflicts (2 of 4 stars). 11 submissions from 10 submitters: Benign (10); Likely benign (1). Last evaluated 2026-02-01.

Conditions:
LAMB2-related infantile-onset nephrotic syndrome. Also called: NEPHROTIC SYNDROME, TYPE 5, WITHOUT OCULAR ABNORMALITIES; NEPHROTIC SYNDROME, TYPE 5, WITH OCULAR ABNORMALITIES; Nephrotic Syndrome, type 5. Identifiers: Orphanet 306507, MedGen C3280113, MONDO:0013621, OMIM 614199.
Pierson syndrome. Also called: MICROCORIA-CONGENITAL NEPHROTIC SYNDROME. Identifiers: Orphanet 2670, MedGen C1836876, MONDO:0012184, OMIM 609049.
Kidney disorder. Also called: renal disease; Kidney Diseases; Kidney disease; Nephropathy; renal disorder. Identifiers: MedGen C0022658, MONDO:0005240, HP:0000112.

Allele frequency attached by ClinVar (database versions not stated): 1000 Genomes Project 0.03055; 1000 Genomes Project 30x 0.03217; gnomAD 0.03579 and 0.03588; TOPMed 0.03655; ESP Exome Variant Server 0.04121.

Submissions 1 to 30 of 54:

Labcorp Genetics (formerly Invitae), Labcorp
Classification: Benign for LAMB2-related infantile-onset nephrotic syndrome; Pierson syndrome. Last evaluated: 2026-02-01. Review status: criteria provided, single submitter. Criteria: Invitae Variant Classification Sherloc (09022015). Collection method: clinical testing. Allele origin: germline.

Blueprint Genetics
Classification: Likely benign. Last evaluated: 2024-11-26. Review status: criteria provided, single submitter. Criteria: ACMG Guidelines, 2015. Collection method: clinical testing. Allele origin: germline.

Mayo Clinic Laboratories, Mayo Clinic
Classification: Benign. Last evaluated: 2023-04-20. Review status: criteria provided, single submitter. Criteria: ACMG Guidelines, 2015. Collection method: clinical testing. Allele origin: germline. Observed: 47 variant alleles.
Comment: BS1, BS2

Genome Diagnostics Laboratory, The Hospital for Sick Children
Classification: Benign for Kidney disorder. Last evaluated: 2021-12-08. Review status: criteria provided, single submitter. Criteria: ACMG Guidelines, 2015. Collection method: clinical testing. Allele origin: germline.

GeneDx
Classification: Benign. Last evaluated: 2020-12-02. Review status: criteria provided, single submitter. Criteria: GeneDx Variant Classification Process June 2021. Collection method: clinical testing. Allele origin: germline. Affected: yes.
Comment: This variant is associated with the following publications: (PMID: 26239645, 28146470)

Illumina Laboratory Services, Illumina
Classification: Benign for Pierson syndrome. Last evaluated: 2018-01-13. Review status: criteria provided, single submitter. Criteria: ICSL Variant Classification Criteria 13 December 2019. Collection method: clinical testing. Allele origin: germline.
Comment: This variant was observed in the ICSL laboratory as part of a predisposition screen in an ostensibly healthy population. It had not been previously curated by ICSL or reported in the Human Gene Mutation Database (HGMD: prior to June 1st, 2018), and was therefore a candidate for classification through an automated scoring system. Utilizing variant allele frequency, disease prevalence and penetrance estimates, and inheritance mode, an automated score was calculated to assess if this variant is too frequent to cause the disease. Based on the score and internal cut-off values, a variant classified as benign is not then subjected to further curation. The score for this variant resulted in a classification of benign for this disease.

Illumina Laboratory Services, Illumina
Classification: Benign for LAMB2-related infantile-onset nephrotic syndrome. Last evaluated: 2018-01-13. Review status: criteria provided, single submitter. Criteria: ICSL Variant Classification Criteria 13 December 2019. Collection method: clinical testing. Allele origin: germline.
Comment: the same text as in the submission from Illumina Laboratory Services, Illumina above.

Athena Diagnostics
Classification: Benign. Last evaluated: 2017-11-02. Review status: criteria provided, single submitter. Criteria: Athena Diagnostics Criteria. Collection method: clinical testing. Allele origin: germline.

Eurofins Ntd Llc (ga)
Classification: Benign. Last evaluated: 2017-04-07. Review status: criteria provided, single submitter. Criteria: EGL Classification Definitions 2015. Collection method: clinical testing. Allele origin: germline. Observed: 2 variant alleles, 2 heterozygotes.

Breakthrough Genomics
Classification: Benign. Review status: criteria provided, single submitter. Criteria: ACMG Guidelines, 2015. Collection method: not provided. Allele origin: germline. Inheritance: Autosomal recessive inheritance. Affected: yes.

PreventionGenetics, part of Exact Sciences
Classification: Benign. Review status: criteria provided, single submitter. Criteria: ACMG Guidelines, 2015. Collection method: clinical testing. Allele origin: germline.

Dr. Peter K. Rogan Lab, Western University
No classification provided (evidence only). Condition: Acute myeloid leukemia. Review status: no classification provided. Collection method: in vitro. Allele origin: not applicable. Functional consequence: retained intron. Not counted in ClinVar's aggregate classification.

Dr. Peter K. Rogan Lab, Western University
No classification provided (evidence only). Condition: Acute myeloid leukemia. Review status: no classification provided. Collection method: in vitro. Allele origin: not applicable. Functional consequence: retained intron. Not counted in ClinVar's aggregate classification.

Dr. Peter K. Rogan Lab, Western University
No classification provided (evidence only). Condition: Acute myeloid leukemia. Review status: no classification provided. Collection method: in vitro. Allele origin: not applicable. Functional consequence: retained intron. Not counted in ClinVar's aggregate classification.

Dr. Peter K. Rogan Lab, Western University
No classification provided (evidence only). Condition: Colorectal cancer. Review status: no classification provided. Collection method: in vitro. Allele origin: not applicable. Functional consequence: retained intron. Not counted in ClinVar's aggregate classification.

Dr. Peter K. Rogan Lab, Western University
No classification provided (evidence only). Condition: Colorectal cancer. Review status: no classification provided. Collection method: in vitro. Allele origin: not applicable. Functional consequence: retained intron. Not counted in ClinVar's aggregate classification.

Dr. Peter K. Rogan Lab, Western University
No classification provided (evidence only). Condition: Colorectal cancer. Review status: no classification provided. Collection method: in vitro. Allele origin: not applicable. Functional consequence: retained intron. Not counted in ClinVar's aggregate classification.

Dr. Peter K. Rogan Lab, Western University
No classification provided (evidence only). Condition: Uterine corpus endometrial carcinoma. Review status: no classification provided. Collection method: in vitro. Allele origin: not applicable. Functional consequence: retained intron. Not counted in ClinVar's aggregate classification.

Dr. Peter K. Rogan Lab, Western University
No classification provided (evidence only). Condition: Uterine corpus endometrial carcinoma. Review status: no classification provided. Collection method: in vitro. Allele origin: not applicable. Functional consequence: retained intron. Not counted in ClinVar's aggregate classification.

Dr. Peter K. Rogan Lab, Western University
No classification provided (evidence only). Condition: Uterine corpus endometrial carcinoma. Review status: no classification provided. Collection method: in vitro. Allele origin: not applicable. Functional consequence: retained intron. Not counted in ClinVar's aggregate classification.

Dr. Peter K. Rogan Lab, Western University
No classification provided (evidence only). Condition: Uterine corpus endometrial carcinoma. Review status: no classification provided. Collection method: in vitro. Allele origin: not applicable. Functional consequence: retained intron. Not counted in ClinVar's aggregate classification.

Dr. Peter K. Rogan Lab, Western University
No classification provided (evidence only). Condition: Uterine corpus endometrial carcinoma. Review status: no classification provided. Collection method: in vitro. Allele origin: not applicable. Functional consequence: retained intron. Not counted in ClinVar's aggregate classification.

Dr. Peter K. Rogan Lab, Western University
No classification provided (evidence only). Condition: Uterine corpus endometrial carcinoma. Review status: no classification provided. Collection method: in vitro. Allele origin: not applicable. Functional consequence: retained intron. Not counted in ClinVar's aggregate classification.

Dr. Peter K. Rogan Lab, Western University
No classification provided (evidence only). Condition: Uterine corpus endometrial carcinoma. Review status: no classification provided. Collection method: in vitro. Allele origin: not applicable. Functional consequence: retained intron. Not counted in ClinVar's aggregate classification.

Dr. Peter K. Rogan Lab, Western University
No classification provided (evidence only). Condition: Uterine corpus endometrial carcinoma. Review status: no classification provided. Collection method: in vitro. Allele origin: not applicable. Functional consequence: retained intron. Not counted in ClinVar's aggregate classification.

Dr. Peter K. Rogan Lab, Western University
No classification provided (evidence only). Condition: Sarcoma. Review status: no classification provided. Collection method: in vitro. Allele origin: not applicable. Functional consequence: retained intron. Not counted in ClinVar's aggregate classification.

Dr. Peter K. Rogan Lab, Western University
No classification provided (evidence only). Condition: Sarcoma. Review status: no classification provided. Collection method: in vitro. Allele origin: not applicable. Functional consequence: retained intron. Not counted in ClinVar's aggregate classification.

Dr. Peter K. Rogan Lab, Western University
No classification provided (evidence only). Condition: Sarcoma. Review status: no classification provided. Collection method: in vitro. Allele origin: not applicable. Functional consequence: retained intron. Not counted in ClinVar's aggregate classification.

Dr. Peter K. Rogan Lab, Western University
No classification provided (evidence only). Condition: Sarcoma. Review status: no classification provided. Collection method: in vitro. Allele origin: not applicable. Functional consequence: retained intron. Not counted in ClinVar's aggregate classification.

Dr. Peter K. Rogan Lab, Western University
No classification provided (evidence only). Condition: Sarcoma. Review status: no classification provided. Collection method: in vitro. Allele origin: not applicable. Functional consequence: retained intron. Not counted in ClinVar's aggregate classification.

NM_002292.4(LAMB2):c.2740G>A (p.Gly914Arg)

Gene: LAMB2 (laminin subunit beta 2; minus strand). Cytogenetic location: 3p21.31.
Variant type: single nucleotide variant.
Coding change: c.2740G>A on transcript NM_002292.4 (MANE Select); coding-DNA position 2740, G replaced by A.
Protein change: p.Gly914Arg; replaces glycine 914 with arginine.
Molecular consequence: missense variant.
Genome position (GRCh38, 1-based): chr3:49,125,150, C>T on the plus strand (G>A on the coding strand, the complement: LAMB2 is on the minus strand). VCF-style: chr3-49125150-C-T. GRCh37 (hg19) VCF-style: chr3-49162583-C-T.
Other names: p.Gly914Arg; short protein forms G914R.
Identifiers: ClinVar variation 258605 (VCV000258605.29), dbSNP rs35713889, ClinGen allele CA2394217.